The following is an entry in ClinVar:

ClinVar aggregate classification (germline): Uncertain significance. Review status: criteria provided, multiple submitters, no conflicts (2 of 4 stars). 2 submissions from 2 submitters: Uncertain significance (2). Last evaluated 2025-04-02.

Conditions:
Aortic valve disease 2 (AOVD2). Identifiers: MedGen C3542024, MONDO:0013902, OMIM 614823.
Cardiovascular phenotype. Identifiers: MedGen CN230736.

Allele frequency attached by ClinVar (database versions not stated): gnomAD exomes 0.00003; TOPMed 0.00003; gnomAD 0.00005; ESP Exome Variant Server 0.00015; 1000 Genomes Project 30x 0.00016; ExAC 0.00003; 1000 Genomes Project 0.00020.
gnomAD v4.1: 58 of 1,614,174 alleles (0.0036%); highest among the groups gnomAD compares: Non-Finnish European, 0.0043%; no homozygotes.

Submissions (2):

Labcorp Genetics (formerly Invitae), Labcorp
Classification: Uncertain significance for Aortic valve disease 2. Last evaluated: 2025-04-02. Review status: criteria provided, single submitter. Criteria: Invitae Variant Classification Sherloc (09022015). Collection method: clinical testing. Allele origin: germline.
Comment: This sequence change replaces glycine, which is neutral and non-polar, with arginine, which is basic and polar, at codon 507 of the TBX5 protein (p.Gly507Arg). This variant is present in population databases (rs374924325, gnomAD 0.008%). This variant has not been reported in the literature in individuals affected with TBX5-related conditions. ClinVar contains an entry for this variant (Variation ID: 1774373). Invitae Evidence Modeling of protein sequence and biophysical properties (such as structural, functional, and spatial information, amino acid conservation, physicochemical variation, residue mobility, and thermodynamic stability) indicates that this missense variant is not expected to disrupt TBX5 protein function with a negative predictive value of 80%. In summary, the available evidence is currently insufficient to determine the role of this variant in disease. Therefore, it has been classified as a Variant of Uncertain Significance.

Ambry Genetics
Classification: Uncertain significance for Cardiovascular phenotype. Last evaluated: 2024-11-13. Review status: criteria provided, single submitter. Criteria: Ambry Variant Classification Scheme 2023. Collection method: clinical testing. Allele origin: germline.
Comment: The p.G507R variant (also known as c.1519G>A), located in coding exon 8 of the TBX5 gene, results from a G to A substitution at nucleotide position 1519. The glycine at codon 507 is replaced by arginine, an amino acid with dissimilar properties. This amino acid position is well conserved in available vertebrate species. In addition, the in silico prediction for this alteration is inconclusive. Since supporting evidence is limited at this time, the clinical significance of this alteration remains unclear.

NM_181486.4(TBX5):c.1519G>A (p.Gly507Arg)

Gene: TBX5 (T-box transcription factor 5; minus strand). Cytogenetic location: 12q24.21.
Variant type: single nucleotide variant.
Coding change: c.1519G>A on transcript NM_181486.4 (MANE Select); coding-DNA position 1519, G replaced by A.
Protein change: p.Gly507Arg; replaces glycine 507 with arginine.
Molecular consequence: missense variant.
Genome position (GRCh38, 1-based): chr12:114,355,570, C>T on the plus strand (G>A on the coding strand, the complement: TBX5 is on the minus strand). VCF-style: chr12-114355570-C-T. GRCh37 (hg19) VCF-style: chr12-114793375-C-T.
Other names: c.1519G>A, p.Gly507Arg (NM_000192.3); c.1369G>A, p.Gly457Arg (NM_080717.4); short protein forms G507R, G457R.
Identifiers: ClinVar variation 1774373 (VCV001774373.5), dbSNP rs374924325, ClinGen allele CA6809322.
Genomic context (GRCh38, chr12:114,355,570, plus strand): 5'-CTGTTGTGAAGCAGGCCTCACTTTAGCTATTGTCGCTCCACTCTGGCACCATGCCAACTC[C>T]GTGCACAGAGTGGTACTGATGAGGGGATAGAGTCCTTGGCACGCCATGAGAGTAGAGGAA-3'
Protein context (NP_852259.1, residues 497-517): LSPHQYHSVH[Gly507Arg]VGMVPEWSDN